The following is an entry in ClinVar:

NM_001080467.3(MYO5B):c.365A>G (p.Asp122Gly)

Gene: MYO5B (myosin VB; minus strand). Cytogenetic location: 18q21.1.
Variant type: single nucleotide variant.
Coding change: c.365A>G on transcript NM_001080467.3 (MANE Select); coding-DNA position 365, A replaced by G.
Protein change: p.Asp122Gly; replaces aspartic acid 122 with glycine.
Molecular consequence: missense variant.
Genome position (GRCh38, 1-based): chr18:50,036,940, T>C on the plus strand (A>G on the coding strand, the complement: MYO5B is on the minus strand). VCF-style: chr18-50036940-T-C. GRCh37 (hg19) VCF-style: chr18-47563310-T-C.
Other names: c.365A>G (NM_001080467.2); short protein forms D122G.
Identifiers: ClinVar variation 1395257 (VCV001395257.4), dbSNP rs371807276, ClinGen allele CA8961902.

ClinVar aggregate classification (germline): Uncertain significance. Review status: criteria provided, multiple submitters, no conflicts (2 of 4 stars). 2 submissions from 2 submitters: Uncertain significance (2). Last evaluated 2022-11-17.

Conditions:
Inborn genetic diseases. Identifiers: MedGen C0950123, MeSH D030342.

Allele frequency attached by ClinVar (database versions not stated): ExAC 0.00002; gnomAD 0.00004; TOPMed 0.00005; gnomAD exomes 0.00006; ESP Exome Variant Server 0.00016.
gnomAD v4.1: 127 of 1,613,988 alleles (0.0079%); highest among the groups gnomAD compares: Non-Finnish European, 0.01%; no homozygotes.

Submissions (2):

Ambry Genetics
Classification: Uncertain significance for Inborn genetic diseases. Last evaluated: 2022-11-17. Review status: criteria provided, single submitter. Criteria: Ambry Variant Classification Scheme 2023. Collection method: clinical testing. Allele origin: germline.

Labcorp Genetics (formerly Invitae), Labcorp
Classification: Uncertain significance. Last evaluated: 2022-06-13. Review status: criteria provided, single submitter. Criteria: Invitae Variant Classification Sherloc (09022015). Collection method: clinical testing. Allele origin: germline.
Comment: This sequence change replaces aspartic acid, which is acidic and polar, with glycine, which is neutral and non-polar, at codon 122 of the MYO5B protein (p.Asp122Gly). This variant is present in population databases (rs371807276, gnomAD 0.01%). This variant has not been reported in the literature in individuals affected with MYO5B-related conditions. Algorithms developed to predict the effect of missense changes on protein structure and function are either unavailable or do not agree on the potential impact of this missense change (SIFT: "Deleterious"; PolyPhen-2: "Benign"; Align-GVGD: "Class C0"). Algorithms developed to predict the effect of sequence changes on RNA splicing suggest that this variant may create or strengthen a splice site. In summary, the available evidence is currently insufficient to determine the role of this variant in disease. Therefore, it has been classified as a Variant of Uncertain Significance.